The following is an entry in ClinVar:

ClinVar aggregate classification (germline): Likely benign (1 of 4 stars; one submission).

Conditions:
Renal hypodysplasia/aplasia 1 (RHDA1). Also called: HEREDITARY RENAL APLASIA; RENAL APLASIA. Identifiers: Orphanet 411709, MedGen C1619700, MONDO:0024519, OMIM 191830.

Allele frequency attached by ClinVar (database versions not stated): gnomAD exomes 0.00018; gnomAD 0.00026 and 0.00029; TOPMed 0.00035; 1000 Genomes Project 0.00040; 1000 Genomes Project 30x 0.00047.
gnomAD v4.1: 340 of 1,577,942 alleles (0.022%); highest among the groups gnomAD compares: Middle Eastern, 0.095%; 2 homozygotes.

Submission:

Illumina Laboratory Services, Illumina
Classification: Likely benign for Renal hypodysplasia/aplasia 1. Last evaluated: 2018-01-12. Review status: criteria provided, single submitter. Criteria: ICSL Variant Classification Criteria 13 December 2019. Collection method: clinical testing. Allele origin: germline.
Comment: This variant was observed in the ICSL laboratory as part of a predisposition screen in an ostensibly healthy population. It had not been previously curated by ICSL or reported in the Human Gene Mutation Database (HGMD: prior to June 1st, 2018), and was therefore a candidate for classification through an automated scoring system. Utilizing variant allele frequency, disease prevalence and penetrance estimates, and inheritance mode, an automated score was calculated to assess if this variant is too frequent to cause the disease. Based on the score and internal cut-off values, a variant classified as likely benign is not then subjected to further curation. The score for this variant resulted in a classification of likely benign for this disease.

NM_006953.4(UPK3A):c.*73C>T

Gene: UPK3A (uroplakin 3A; plus strand). Cytogenetic location: 22q13.31.
Variant type: single nucleotide variant.
Coding change: c.*73C>T on transcript NM_006953.4 (MANE Select); 73 bases downstream of the stop codon, C replaced by T.
Molecular consequence: 3 prime UTR variant.
Genome position (GRCh38, 1-based): chr22:45,295,792, C>T. VCF-style: chr22-45295792-C-T. GRCh37 (hg19) VCF-style: chr22-45691673-C-T.
Other names: c.*73C>T (NM_001167574.2).
Identifiers: ClinVar variation 899813 (VCV000899813.5), dbSNP rs534707412, ClinGen allele CA325069154.